The following is an entry in ClinVar:

ClinVar aggregate classification (germline): Uncertain significance (1 of 4 stars; one submission).

Submission:

GeneDx
Classification: Uncertain significance. Last evaluated: 2025-01-30. Review status: criteria provided, single submitter. Criteria: GeneDx Variant Classification Process June 2021. Collection method: clinical testing. Allele origin: germline. Affected: yes.
Comment: Not observed at significant frequency in large population cohorts (gnomAD); In silico analysis supports that this missense variant has a deleterious effect on protein structure/function; Has not been previously published as pathogenic or benign to our knowledge

NM_000384.3(APOB):c.10114T>C (p.Ser3372Pro)

Gene: APOB (apolipoprotein B; minus strand). Cytogenetic location: 2p24.1.
Variant type: single nucleotide variant.
Coding change: c.10114T>C on transcript NM_000384.3 (MANE Select); coding-DNA position 10114, T replaced by C.
Protein change: p.Ser3372Pro; replaces serine 3372 with proline.
Molecular consequence: missense variant.
Genome position (GRCh38, 1-based): chr2:21,006,754, A>G on the plus strand (T>C on the coding strand, the complement: APOB is on the minus strand). VCF-style: chr2-21006754-A-G. GRCh37 (hg19) VCF-style: chr2-21229626-A-G.
Other names: short protein forms S3372P.
Identifiers: ClinVar variation 4072553 (VCV004072553.1).